The following is an entry in ClinVar:

ClinVar aggregate classification (germline): Conflicting classifications of pathogenicity. Review status: criteria provided, conflicting classifications (1 of 4 stars). 2 submissions from 2 submitters: Uncertain significance (1); Likely benign (1). Last evaluated 2026-02-01.

Allele frequency attached by ClinVar (database versions not stated): 1000 Genomes Project 0.00020; ExAC 0.00027; 1000 Genomes Project 30x 0.00031; TOPMed 0.00039; gnomAD 0.00040; ESP Exome Variant Server 0.00046.
gnomAD v4.1: 833 of 1,613,500 alleles (0.052%); highest among the groups gnomAD compares: Middle Eastern, 0.066%; 1 homozygote.

Submissions (2):

CeGaT Center for Human Genetics Tuebingen
Classification: Likely benign. Last evaluated: 2026-02-01. Review status: criteria provided, single submitter. Criteria: CeGaT Center For Human Genetics Tuebingen Variant Classification Criteria Version 2. Collection method: clinical testing. Allele origin: germline. Affected: yes. Observed: 1 variant allele.
Comment: FCGR2B: BP4

Ambry Genetics
Classification: Uncertain significance. Last evaluated: 2021-07-15. Review status: criteria provided, single submitter. Criteria: Ambry Variant Classification Scheme 2023. Collection method: clinical testing. Allele origin: germline.

NM_001394477.1(FCGR2B):c.848A>G (p.Lys283Arg)

Gene: FCGR2B (Fc gamma receptor IIb; plus strand). Cytogenetic location: 1q23.3.
Variant type: single nucleotide variant.
Coding change: c.848A>G on transcript NM_001394477.1 (MANE Select); coding-DNA position 848, A replaced by G.
Protein change: p.Lys283Arg; replaces lysine 283 with arginine.
Molecular consequence: missense variant. On other transcripts: non-coding transcript variant (1), intron variant (4).
Genome position (GRCh38, 1-based): chr1:161,677,358, A>G. VCF-style: chr1-161677358-A-G. GRCh37 (hg19) VCF-style: chr1-161647148-A-G.
Other names: c.788A>G, p.Lys263Arg (NM_001002273.3); c.791A>G, p.Lys264Arg (NM_001002274.3); c.845A>G, p.Lys282Arg (NM_001002275.3); c.827A>G, p.Lys276Arg (NM_001190828.2); c.824A>G, p.Lys275Arg (NM_001386000.1); c.770A>G, p.Lys257Arg (NM_001386001.1); c.767A>G, p.Lys256Arg (NM_001386002.1); c.848A>G, p.Lys283Arg (NM_004001.5); and 4 more; short protein forms K263R, K264R, K276R, K282R, K257R, K256R, K275R, K283R.
Identifiers: ClinVar variation 2204937 (VCV002204937.6), dbSNP rs193030032, ClinGen allele CA1212913.